The following is an entry in ClinVar:

NM_001382391.1(CSPP1):c.2226T>A (p.Asn742Lys)

Gene: CSPP1 (centrosome and spindle pole associated protein 1; plus strand). Cytogenetic location: 8q13.2.
Variant type: single nucleotide variant.
Coding change: c.2226T>A on transcript NM_001382391.1 (MANE Select); coding-DNA position 2226, T replaced by A.
Protein change: p.Asn742Lys; replaces asparagine 742 with lysine.
Molecular consequence: missense variant.
Genome position (GRCh38, 1-based): chr8:67,154,121, T>A. VCF-style: chr8-67154121-T-A. GRCh37 (hg19) VCF-style: chr8-68066356-T-A.
Other names: c.1176T>A, p.Asn392Lys (NM_001291339.2); c.2145T>A, p.Asn715Lys (NM_001363131.2); c.2031T>A, p.Asn677Lys (NM_001363132.2); c.1950T>A, p.Asn650Lys (NM_001363133.2); c.2292T>A, p.Asn764Lys (NM_001364869.1); c.2112T>A, p.Asn704Lys (NM_001364870.1); c.2211T>A, p.Asn737Lys (NM_024790.7); short protein forms N392K, N650K, N677K, N704K, N715K, N737K, N742K, N764K.
Identifiers: ClinVar variation 1020242 (VCV001020242.5), dbSNP rs1826224959, ClinGen allele CA371188065.

ClinVar aggregate classification (germline): Uncertain significance (1 of 4 stars; one submission).

Conditions:
Joubert syndrome 21 (JBTS21). Identifiers: MedGen C3810212, MONDO:0014288, OMIM 615636.

Allele frequency attached by ClinVar (database versions not stated): TOPMed below 0.00001.

Submission:

Labcorp Genetics (formerly Invitae), Labcorp
Classification: Uncertain significance for Joubert syndrome 21. Last evaluated: 2021-10-15. Review status: criteria provided, single submitter. Criteria: Invitae Variant Classification Sherloc (09022015). Collection method: clinical testing. Allele origin: germline.
Comment: In summary, the available evidence is currently insufficient to determine the role of this variant in disease. Therefore, it has been classified as a Variant of Uncertain Significance. This sequence change replaces asparagine with lysine at codon 737 of the CSPP1 protein (p.Asn737Lys). The asparagine residue is highly conserved and there is a moderate physicochemical difference between asparagine and lysine. This variant is not present in population databases (ExAC no frequency). This variant has not been reported in the literature in individuals affected with CSPP1-related conditions. Algorithms developed to predict the effect of missense changes on protein structure and function are either unavailable or do not agree on the potential impact of this missense change (SIFT: "Tolerated"; PolyPhen-2: "Possibly Damaging"; Align-GVGD: "Class C0").